The following is an entry in ClinVar:

ClinVar aggregate classification (germline): Uncertain significance. Review status: criteria provided, multiple submitters, no conflicts (2 of 4 stars). 3 submissions from 3 submitters: Uncertain significance (3). Last evaluated 2024-03-13.

Conditions:
Familial sleep-related hypermotor epilepsy. Also called: Autosomal Dominant Sleep-Related Hypermotor (Hyperkinetic) Epilepsy. Identifiers: Orphanet 98784, MedGen C3696898, MONDO:0000030.

Allele frequency attached by ClinVar (database versions not stated): gnomAD exomes 0.00001.
gnomAD v4.1: 17 of 1,614,140 alleles (0.0011%); highest among the groups gnomAD compares: Non-Finnish European, 0.0014%; no homozygotes.

Submissions (3):

Labcorp Genetics (formerly Invitae), Labcorp
Classification: Uncertain significance. Last evaluated: 2024-03-13. Review status: criteria provided, single submitter. Criteria: Invitae Variant Classification Sherloc (09022015). Collection method: clinical testing. Allele origin: germline.
Comment: This sequence change replaces cysteine, which is neutral and slightly polar, with arginine, which is basic and polar, at codon 197 of the CHRNA2 protein (p.Cys197Arg). This variant is not present in population databases (gnomAD no frequency). This variant has not been reported in the literature in individuals affected with CHRNA2-related conditions. This missense change has been observed in at least one individual who was not affected with CHRNA2-related conditions (Invitae). ClinVar contains an entry for this variant (Variation ID: 501210). Advanced modeling of protein sequence and biophysical properties (such as structural, functional, and spatial information, amino acid conservation, physicochemical variation, residue mobility, and thermodynamic stability) performed at Invitae indicates that this missense variant is expected to disrupt CHRNA2 protein function with a positive predictive value of 80%. In summary, the available evidence is currently insufficient to determine the role of this variant in disease. Therefore, it has been classified as a Variant of Uncertain Significance.

Blueprint Genetics
Classification: Uncertain significance. Last evaluated: 2021-10-20. Review status: criteria provided, single submitter. Criteria: ACMG Guidelines, 2015. Collection method: clinical testing. Allele origin: germline.

Eurofins Ntd Llc (ga)
Classification: Uncertain significance. Last evaluated: 2017-04-24. Review status: criteria provided, single submitter. Criteria: EGL Classification Definitions 2015. Collection method: clinical testing. Allele origin: germline. Observed: 1 variant allele, 1 heterozygote.

NM_000742.4(CHRNA2):c.589T>C (p.Cys197Arg)

Gene: CHRNA2 (cholinergic receptor nicotinic alpha 2 subunit; minus strand). Cytogenetic location: 8p21.2.
Variant type: single nucleotide variant.
Coding change: c.589T>C on transcript NM_000742.4 (MANE Select); coding-DNA position 589, T replaced by C.
Protein change: p.Cys197Arg; replaces cysteine 197 with arginine.
Molecular consequence: missense variant. On other transcripts: 5 prime UTR variant (2).
Genome position (GRCh38, 1-based): chr8:27,463,854, A>G on the plus strand (T>C on the coding strand, the complement: CHRNA2 is on the minus strand). VCF-style: chr8-27463854-A-G. GRCh37 (hg19) VCF-style: chr8-27321371-A-G.
Other names: c.544T>C, p.Cys182Arg (NM_001282455.2); c.112T>C, p.Cys38Arg (NM_001347705.2, NM_001347706.2); c.-6T>C (NM_001347707.2, NM_001347708.2); short protein forms C197R, C38R, C182R.
Identifiers: ClinVar variation 501210 (VCV000501210.9), dbSNP rs1554514597, ClinGen allele CA370811269.